The following is an entry in ClinVar:

NM_000465.4(BARD1):c.780A>G (p.Leu260=)

Gene: BARD1 (BRCA1 associated RING domain 1; minus strand). Cytogenetic location: 2q35.
Variant type: single nucleotide variant.
Coding change: c.780A>G on transcript NM_000465.4 (MANE Select); coding-DNA position 780, A replaced by G.
Protein change: p.Leu260=; no amino-acid change (leucine 260 retained).
Molecular consequence: synonymous variant. On other transcripts: non-coding transcript variant (2), intron variant (3).
Genome position (GRCh38, 1-based): chr2:214,781,094, T>C on the plus strand (A>G on the coding strand, the complement: BARD1 is on the minus strand). VCF-style: chr2-214781094-T-C. GRCh37 (hg19) VCF-style: chr2-215645818-T-C.
Other names: c.723A>G, p.Leu241= (NM_001282543.2); c.158+28318A>G (NM_001282548.2); c.215+15967A>G (NM_001282545.2); c.364+11203A>G (NM_001282549.2).
Identifiers: ClinVar variation 3379204 (VCV003379204.1).

ClinVar aggregate classification (germline): Benign (1 of 4 stars; one submission).

Conditions:
Familial cancer of breast. Also called: hereditary breast carcinoma; Hereditary breast cancer; BREAST CANCER, FAMILIAL. Identifiers: Orphanet 227535, MedGen C0346153, MONDO:0016419, OMIM 114480. Disease mechanism: loss of function.

Submission:

Myriad Genetics, Inc.
Classification: Benign for Familial cancer of breast. Last evaluated: 2024-07-23. Review status: criteria provided, single submitter. Criteria: Myriad Autosomal Dominant, Autosomal Recessive and X-Linked Classification Criteria (2023). Collection method: clinical testing. Allele origin: unknown.
Comment: This variant is considered benign. This variant is a silent/synonymous amino acid change and it is not expected to impact splicing.